The following is an entry in ClinVar:

NM_001378120.1(MBD5):c.709A>G (p.Ile237Val)

Gene: MBD5 (methyl-CpG binding domain protein 5; plus strand). Cytogenetic location: 2q23.1.
Variant type: single nucleotide variant.
Coding change: c.709A>G on transcript NM_001378120.1 (MANE Select); coding-DNA position 709, A replaced by G.
Protein change: p.Ile237Val; replaces isoleucine 237 with valine.
Molecular consequence: missense variant.
Genome position (GRCh38, 1-based): chr2:148,468,652, A>G. VCF-style: chr2-148468652-A-G. GRCh37 (hg19) VCF-style: chr2-149226221-A-G.
Other names: c.709A>G, p.Ile237Val (NM_018328.5); short protein forms I237V.
Identifiers: ClinVar variation 440935 (VCV000440935.16), dbSNP rs751251720, ClinGen allele CA1899917.

ClinVar aggregate classification (germline): Conflicting classifications of pathogenicity. Review status: criteria provided, conflicting classifications (1 of 4 stars). 5 submissions from 5 submitters: Uncertain significance (1); Likely benign (4). Last evaluated 2025-08-28.

Conditions:
Inborn genetic diseases. Identifiers: MedGen C0950123, MeSH D030342.
Chromosome 2q23.1 deletion syndrome. Also called: 2q23.1 deletion syndrome. Identifiers: MedGen C3277090.
Intellectual developmental disorder, autosomal dominant 1. Also called: MBD5 Haploinsufficiency; Intellectual disability, autosomal dominant 1. Identifiers: Orphanet 228402, MedGen C1969562, MONDO:0007974, OMIM 156200.

Allele frequency attached by ClinVar (database versions not stated): ExAC 0.00004; TOPMed 0.00002; gnomAD 0.00003; gnomAD exomes 0.00004.
gnomAD v4.1: 122 of 1,613,860 alleles (0.0076%); highest among the groups gnomAD compares: East Asian, 0.049%; no homozygotes.

Submissions (5):

Labcorp Genetics (formerly Invitae), Labcorp
Classification: Uncertain significance for Intellectual developmental disorder, autosomal dominant 1. Last evaluated: 2025-08-28. Review status: criteria provided, single submitter. Criteria: Invitae Variant Classification Sherloc (09022015). Collection method: clinical testing. Allele origin: germline.
Comment: This sequence change replaces isoleucine, which is neutral and non-polar, with valine, which is neutral and non-polar, at codon 237 of the MBD5 protein (p.Ile237Val). This variant is present in population databases (rs751251720, gnomAD 0.03%). This missense change has been observed in individual(s) with autism spectrum disorder (PMID: 28008202). ClinVar contains an entry for this variant (Variation ID: 440935). Invitae Evidence Modeling of protein sequence and biophysical properties (such as structural, functional, and spatial information, amino acid conservation, physicochemical variation, residue mobility, and thermodynamic stability) indicates that this missense variant is not expected to disrupt MBD5 protein function with a negative predictive value of 80%. In summary, the available evidence is currently insufficient to determine the role of this variant in disease. Therefore, it has been classified as a Variant of Uncertain Significance.

Laboratory of Genetics, Children's Clinical University Hospital Latvia
Classification: Likely benign. Last evaluated: 2025-02-16. Review status: criteria provided, single submitter. Criteria: ACMG Guidelines, 2015. Collection method: clinical testing. Allele origin: germline. Affected: yes.

Ambry Genetics
Classification: Likely benign for Inborn genetic diseases. Last evaluated: 2022-12-29. Review status: criteria provided, single submitter. Criteria: Ambry Variant Classification Scheme 2023. Collection method: clinical testing. Allele origin: germline.

Department of Pathology and Laboratory Medicine, Sinai Health System
Classification: Likely benign for Intellectual developmental disorder, autosomal dominant 1. Last evaluated: 2021-07-30. Review status: criteria provided, single submitter. Criteria: ACMG Guidelines, 2015. Collection method: research. Allele origin: germline.

GeneDx
Classification: Likely benign. Last evaluated: 2021-01-25. Review status: criteria provided, single submitter. Criteria: GeneDx Variant Classification Process June 2021. Collection method: clinical testing. Allele origin: germline. Affected: yes.

Literature cited by the submitters: PubMed 28008202 (cited by Labcorp Genetics (formerly Invitae), Labcorp).